The following is an entry in ClinVar:

ClinVar aggregate classification (germline): Pathogenic. Review status: criteria provided, multiple submitters, no conflicts (2 of 4 stars). 3 submissions from 3 submitters: Pathogenic (2). 1 of the submissions does not count toward it. Last evaluated 2025-09-09.

Conditions:
6-Pyruvoyl-tetrahydrobiopterin synthase deficiency. Also called: 6-Pyruvoyltetrahydropterin Synthase Deficiency; PTS DEFICIENCY; HYPERPHENYLALANINEMIA, TETRAHYDROBIOPTERIN-DEFICIENT, DUE TO PTS DEFICIENCY; PTS-Related Tetrahydrobiopterin Deficiency; BH4-deficient hyperphenylalaninemia A; Hyperphenylalanemia, BH4-deficient, A. Identifiers: Orphanet 13, Orphanet 238583, MedGen C0878676, MONDO:0009863, OMIM 261640.

Allele frequency attached by ClinVar (database versions not stated): gnomAD exomes below 0.00001; gnomAD 0.00001; TOPMed 0.00002.

Submissions (4):

Labcorp Genetics (formerly Invitae), Labcorp
Classification: Pathogenic for 6-Pyruvoyl-tetrahydrobiopterin synthase deficiency. Last evaluated: 2025-09-09. Review status: criteria provided, single submitter. Criteria: Invitae Variant Classification Sherloc (09022015). Collection method: clinical testing. Allele origin: germline.
Comment: This sequence change affects a donor splice site in intron 3 of the PTS gene. It is expected to disrupt RNA splicing. Variants that disrupt the donor or acceptor splice site typically lead to a loss of protein function (PMID: 16199547), and loss-of-function variants in PTS are known to be pathogenic (PMID: 3297709, 16917893). This variant is present in population databases (no rsID available, gnomAD 0.0009%). Disruption of this splice site has been observed in individual(s) with biopterin-deficient hyperphenylalaninemia (PMID: 23138986). ClinVar contains an entry for this variant (Variation ID: 556264). Studies have shown that disruption of this splice site alters mRNA splicing and is expected to lead to the loss of protein expression (PMID: 11438997). For these reasons, this variant has been classified as Pathogenic.

Genome-Nilou Lab
Classification: Pathogenic for 6-Pyruvoyl-tetrahydrobiopterin synthase deficiency. Last evaluated: 2021-09-05. Review status: criteria provided, single submitter. Criteria: ACMG Guidelines, 2015. Collection method: clinical testing. Allele origin: germline. Affected: no.

Counsyl
Classification: Likely pathogenic for 6-Pyruvoyl-tetrahydrobiopterin synthase deficiency. Last evaluated: 2018-01-29. Review status: no assertion criteria provided. Collection method: clinical testing. Allele origin: unknown. Not counted in ClinVar's aggregate classification.

Dr. Peter K. Rogan Lab, Western University
No classification provided (evidence only). Condition: Nonpapillary renal cell carcinoma. Review status: no classification provided. Collection method: in vitro. Allele origin: not applicable. Functional consequence: skipped exon, retained intron. Not counted in ClinVar's aggregate classification.

Literature cited by the submitters: PubMed 16199547 (cited by Labcorp Genetics (formerly Invitae), Labcorp); PubMed 3297709 (cited by Labcorp Genetics (formerly Invitae), Labcorp); PubMed 16917893 (cited by Labcorp Genetics (formerly Invitae), Labcorp); PubMed 23138986 (cited by Labcorp Genetics (formerly Invitae), Labcorp); PubMed 11438997 (cited by Labcorp Genetics (formerly Invitae), Labcorp).

NM_000317.3(PTS):c.186+1G>T

Gene: PTS (6-pyruvoyltetrahydropterin synthase; plus strand). Cytogenetic location: 11q23.1.
Variant type: single nucleotide variant.
Coding change: c.186+1G>T on transcript NM_000317.3 (MANE Select); the canonical splice donor site of the intron after coding-DNA position 186, G replaced by T.
Molecular consequence: splice donor variant.
Genome position (GRCh38, 1-based): chr11:112,230,231, G>T. VCF-style: chr11-112230231-G-T. GRCh37 (hg19) VCF-style: chr11-112100954-G-T.
Identifiers: ClinVar variation 556264 (VCV000556264.15), dbSNP rs1256819927, ClinGen allele CA382627589.